The following is an entry in ClinVar:

ClinVar aggregate classification (germline): Likely benign. Review status: criteria provided, multiple submitters, no conflicts (2 of 4 stars). 3 submissions from 3 submitters: Likely benign (3). Last evaluated 2025-10-21.

Conditions:
Combined immunodeficiency due to DOCK8 deficiency (HIES2). Also called: HYPER-IgE SYNDROME 2, AUTOSOMAL RECESSIVE, WITH RECURRENT INFECTIONS; HIES autosomal recessive; HYPER-IgE RECURRENT INFECTION SYNDROME 2, AUTOSOMAL RECESSIVE; DOCK8 Deficiency; Hyper-IgE recurrent infection syndrome, autosomal recessive. Identifiers: Orphanet 217390, MedGen C4722305, MONDO:0009478, OMIM 243700.

Allele frequency attached by ClinVar (database versions not stated): TOPMed 0.00001; gnomAD 0.00005 and 0.00006.
gnomAD v4.1: 39 of 1,613,636 alleles (0.0024%); highest among the groups gnomAD compares: Non-Finnish European, 0.0015%; no homozygotes.

Submissions (3):

Labcorp Genetics (formerly Invitae), Labcorp
Classification: Likely benign for Combined immunodeficiency due to DOCK8 deficiency. Last evaluated: 2025-10-21. Review status: criteria provided, single submitter. Criteria: Invitae Variant Classification Sherloc (09022015). Collection method: clinical testing. Allele origin: germline.

Laboratory of Genetics, Children's Clinical University Hospital Latvia
Classification: Likely benign. Last evaluated: 2025-02-16. Review status: criteria provided, single submitter. Criteria: ACMG Guidelines, 2015. Collection method: clinical testing. Allele origin: germline. Affected: yes.

CeGaT Center for Human Genetics Tuebingen
Classification: Likely benign. Last evaluated: 2024-12-01. Review status: criteria provided, single submitter. Criteria: CeGaT Center For Human Genetics Tuebingen Variant Classification Criteria Version 2. Collection method: clinical testing. Allele origin: germline. Affected: yes. Observed: 1 variant allele.
Comment: DOCK8: BP4, BP7

NM_203447.4(DOCK8):c.5901G>T (p.Pro1967=)

Gene: DOCK8 (dedicator of cytokinesis 8; plus strand). Cytogenetic location: 9p24.3.
Variant type: single nucleotide variant.
Coding change: c.5901G>T on transcript NM_203447.4 (MANE Select); coding-DNA position 5901, G replaced by T.
Protein change: p.Pro1967=; no amino-acid change (proline 1967 retained).
Molecular consequence: synonymous variant.
Genome position (GRCh38, 1-based): chr9:449,867, G>T. VCF-style: chr9-449867-G-T. GRCh37 (hg19) VCF-style: chr9-449867-G-T.
Other names: c.5601G>T, p.Pro1867= (NM_001190458.2); c.5697G>T, p.Pro1899= (NM_001193536.2).
Identifiers: ClinVar variation 763732 (VCV000763732.23), dbSNP rs763449692, ClinGen allele CA4959576.